The following is an entry in ClinVar:

NM_001267550.2(TTN):c.106374+1del

Genes: TTN-AS1 (TTN antisense RNA 1; plus strand), TTN (titin; minus strand). Cytogenetic location: 2q31.2.
Variant type: Deletion.
Coding change: c.106374+1del on transcript NM_001267550.2 (MANE Select); the canonical splice donor site of the intron after coding-DNA position 106374, one base deleted (G; older notation c.106374+1delG).
Molecular consequence: splice donor variant.
Genome position (GRCh38, 1-based): chr2:178,530,240, C deleted on the plus strand (G on the coding strand, the reverse complement: TTN is on the minus strand); the first of 2 consecutive C bases (chr2:178,530,240-178,530,241); deleting either gives the same sequence. VCF-style (leftmost placement, unchanged base first): chr2-178530239-AC-A. GRCh37 (hg19) VCF-style: chr2-179394966-AC-A.
Other names: c.106374+1delG (LRG_391t1); c.79179+1del (NM_003319.4); c.79755+1del (NM_133437.4); c.79554+1del (NM_133432.3); c.98670+1del (NM_133378.4); c.101451+1del (NM_001256850.1).
Identifiers: ClinVar variation 223358 (VCV000223358.5), dbSNP rs763404256, ClinGen allele CA090791.

ClinVar aggregate classification (germline): Conflicting classifications of pathogenicity. Review status: criteria provided, conflicting classifications (1 of 4 stars). 3 submissions from 3 submitters: Likely pathogenic (2); Uncertain significance (1). Last evaluated 2024-05-06.

Conditions:
Dilated cardiomyopathy 1G (CMD1G). Identifiers: Orphanet 154, MedGen C1858763, MONDO:0011400, OMIM 604145.
Autosomal recessive limb-girdle muscular dystrophy type 2J (LGMDR10). Also called: Limb-girdle muscular dystrophy, type 2J; MUSCULAR DYSTROPHY, LIMB-GIRDLE, AUTOSOMAL RECESSIVE 10. Identifiers: Orphanet 140922, MedGen C1837342, MONDO:0012127, OMIM 608807.
Primary dilated cardiomyopathy (DCM). Also called: Dilated Cardiomyopathy. Identifiers: Orphanet 217604, MedGen C0007193, MeSH D002311, MONDO:0005021, HP:0001644. Inheritance: Various modes of inheritance.

Submissions (3):

Labcorp Genetics (formerly Invitae), Labcorp
Classification: Likely pathogenic for Dilated cardiomyopathy 1G; Autosomal recessive limb-girdle muscular dystrophy type 2J. Last evaluated: 2024-05-06. Review status: criteria provided, single submitter. Criteria: Invitae Variant Classification Sherloc (09022015). Collection method: clinical testing. Allele origin: germline.
Comment: This sequence change creates a premature translational stop signal (p.Ala35459Profs*19) in the TTN gene. While this is not anticipated to result in nonsense mediated decay, it is expected to create a truncated TTN protein. This variant is present in population databases (rs763404256, gnomAD 0.007%). This variant has not been reported in the literature in individuals affected with TTN-related conditions. This variant is also known as c.106374+1del. ClinVar contains an entry for this variant (Variation ID: 223358). Algorithms developed to predict the effect of sequence changes on RNA splicing suggest that this variant may disrupt the consensus splice site. This variant is located in the M band of TTN (PMID: 25589632). Truncating variants in this region have been previously reported in individuals affected with autosomal recessive myopathy and muscular dystrophy (PMID: 18948003, 23975875, 24395473). Truncating variants in this region have also been identified in individuals affected with autosomal dominant dilated cardiomyopathy and/or cardio-related conditions (PMID: 27869827, 32964742, Invitae internal data). In summary, the currently available evidence indicates that the variant is pathogenic, but additional data are needed to prove that conclusively. Therefore, this variant has been classified as Likely Pathogenic.

GeneDx
Classification: Likely pathogenic. Last evaluated: 2023-12-05. Review status: criteria provided, single submitter. Criteria: GeneDx Variant Classification Process June 2021. Collection method: clinical testing. Allele origin: germline. Affected: yes.
Comment: Reported in association with dilated cardiomyopathy; however, detailed clinical information was not provided (PMID: 25589632); Located in the M-line region of TTN in which the majority of loss of function variants have been associated with autosomal recessive titinopathies (PMID: 17444505); Canonical splice site variant predicted to result in a null allele in a gene for which loss of function is a known mechanism of disease; Not observed at significant frequency in large population cohorts (gnomAD); This variant is associated with the following publications: (PMID: 17444505, 25589632)

Cardiovascular Biomedical Research Unit, Royal Brompton & Harefield NHS Foundation Trust
Classification: Uncertain significance for Primary dilated cardiomyopathy. Last evaluated: 2014-10-08. Review status: criteria provided, single submitter. Criteria: Roberts et al. 2015. Collection method: research. Allele origin: germline. Inheritance: Autosomal dominant inheritance. Affected: no. Observed: 1 variant allele. Study: JHS cohort.
Comment: In the seven cohorts assessed, TTNtv were found in 14% of ambulant DCM, 22% end-stage or familial DCM, and 2% controls. Heterozygous nonsense, frameshift and canonical splice-disrupting variants found in constitutive and other highly utilised exons are highly likely to be pathogenic when identified in individuals with phenotypically confirmed DCM. TTNtv found incidentally in healthy individuals (excluding familial assessment of DCM relatives) are thought to have low penetrance, particularly when identified in exons that are not constitutively expressed in the heart.

Literature cited by the submitters: PubMed 25589632 (cited by Labcorp Genetics (formerly Invitae), Labcorp); PubMed 18948003 (cited by Labcorp Genetics (formerly Invitae), Labcorp); PubMed 23975875 (cited by Labcorp Genetics (formerly Invitae), Labcorp); PubMed 24395473 (cited by Labcorp Genetics (formerly Invitae), Labcorp); PubMed 27869827 (cited by Labcorp Genetics (formerly Invitae), Labcorp); PubMed 32964742 (cited by Labcorp Genetics (formerly Invitae), Labcorp).